The following is an entry in ClinVar:

ClinVar aggregate classification (germline): Uncertain significance (1 of 4 stars; one submission).

Submission:

Labcorp Genetics (formerly Invitae), Labcorp
Classification: Uncertain significance. Last evaluated: 2022-07-12. Review status: criteria provided, single submitter. Criteria: Invitae Variant Classification Sherloc (09022015). Collection method: clinical testing. Allele origin: germline.
Comment: This sequence change replaces leucine, which is neutral and non-polar, with proline, which is neutral and non-polar, at codon 656 of the TRPC3 protein (p.Leu656Pro). In summary, the available evidence is currently insufficient to determine the role of this variant in disease. Therefore, it has been classified as a Variant of Uncertain Significance. Algorithms developed to predict the effect of missense changes on protein structure and function (SIFT, PolyPhen-2, Align-GVGD) all suggest that this variant is likely to be disruptive. This variant has not been reported in the literature in individuals affected with TRPC3-related conditions. This variant is not present in population databases (gnomAD no frequency).

NM_001130698.2(TRPC3):c.1967T>C (p.Leu656Pro)

Gene: TRPC3 (transient receptor potential cation channel subfamily C member 3; minus strand). Cytogenetic location: 4q27.
Variant type: single nucleotide variant.
Coding change: c.1967T>C on transcript NM_001130698.2 (MANE Select); coding-DNA position 1967, T replaced by C.
Protein change: p.Leu656Pro; replaces leucine 656 with proline.
Molecular consequence: missense variant.
Genome position (GRCh38, 1-based): chr4:121,907,393, A>G on the plus strand (T>C on the coding strand, the complement: TRPC3 is on the minus strand). VCF-style: chr4-121907393-A-G. GRCh37 (hg19) VCF-style: chr4-122828548-A-G.
Other names: c.1967T>C, p.Leu656Pro (NM_001366479.2); c.1748T>C, p.Leu583Pro (NM_003305.2); short protein forms L583P, L656P.
Identifiers: ClinVar variation 2089874 (VCV002089874.4), dbSNP rs2476798624, ClinGen allele CA358055096.